The following is an entry in ClinVar:

ClinVar aggregate classification (germline): Likely benign (1 of 4 stars; one submission).

Conditions:
ABCC12-related condition.

gnomAD v4.1: 124 of 1,612,246 alleles (0.0077%); highest among the groups gnomAD compares: Admixed American, 0.035%; no homozygotes.

Submission:

PreventionGenetics, part of Exact Sciences
Classification: Likely benign for ABCC12-related condition. Last evaluated: 2026-05-22. Review status: criteria provided, single submitter. Criteria: ACMG Guidelines, 2015. Collection method: clinical testing. Allele origin: germline.
Comment: This variant is classified as likely benign based on ACMG/AMP sequence variant interpretation guidelines (Richards et al. 2015 PMID: 25741868, with internal and published modifications).

NM_001393797.1(ABCC12):c.804A>C (p.Ser268=)

Gene: ABCC12 (ATP binding cassette subfamily C member 12; minus strand). Cytogenetic location: 16q12.1.
Variant type: single nucleotide variant.
Coding change: c.804A>C on transcript NM_001393797.1 (MANE Select); coding-DNA position 804, A replaced by C.
Protein change: p.Ser268=; no amino-acid change (serine 268 retained).
Molecular consequence: synonymous variant. On other transcripts: non-coding transcript variant (5).
Genome position (GRCh38, 1-based): chr16:48,139,190, T>G on the plus strand (A>C on the coding strand, the complement: ABCC12 is on the minus strand). VCF-style: chr16-48139190-T-G. GRCh37 (hg19) VCF-style: chr16-48173101-T-G.
Other names: c.804A>C, p.Ser268= (NM_001392028.1, NM_033226.3).
Identifiers: ClinVar variation 4980026 (VCV004980026.1).